The following is an entry in ClinVar:

ClinVar aggregate classification (germline): Uncertain significance. Review status: criteria provided, multiple submitters, no conflicts (2 of 4 stars). 2 submissions from 2 submitters: Uncertain significance (2). Last evaluated 2025-11-24.

Conditions:
Hereditary cancer-predisposing syndrome. Also called: Hereditary neoplastic syndrome; Tumor predisposition; Neoplastic Syndromes, Hereditary; Hereditary Cancer Syndrome. Identifiers: Orphanet 140162, MedGen C0027672, MeSH D009386, MONDO:0015356.
DICER1-related tumor predisposition. Also called: DICER1 syndrome; DICER1-related pleuropulmonary blastoma cancer predisposition syndrome. Identifiers: Orphanet 284343, MedGen C3839822, MONDO:0100216.

Submissions (2):

Ambry Genetics
Classification: Uncertain significance for Hereditary cancer-predisposing syndrome. Last evaluated: 2025-11-24. Review status: criteria provided, single submitter. Criteria: Ambry Variant Classification Scheme 2023. Collection method: clinical testing. Allele origin: germline.
Comment: The p.R307L variant (also known as c.920G>T), located in coding exon 7 of the DICER1 gene, results from a G to T substitution at nucleotide position 920. The arginine at codon 307 is replaced by leucine, an amino acid with dissimilar properties. This amino acid position is conserved. In addition, this alteration is predicted to be tolerated by in silico analysis. Based on the available evidence, the clinical significance of this variant remains unclear.

Labcorp Genetics (formerly Invitae), Labcorp
Classification: Uncertain significance for DICER1-related tumor predisposition. Last evaluated: 2019-01-14. Review status: criteria provided, single submitter. Criteria: Invitae Variant Classification Sherloc (09022015). Collection method: clinical testing. Allele origin: germline.
Comment: This sequence change replaces arginine with leucine at codon 307 of the DICER1 protein (p.Arg307Leu). The arginine residue is moderately conserved and there is a moderate physicochemical difference between arginine and leucine. This variant is not present in population databases (ExAC no frequency). This variant has not been reported in the literature in individuals with DICER1-related conditions. Algorithms developed to predict the effect of missense changes on protein structure and function (SIFT, PolyPhen-2, Align-GVGD) all suggest that this variant is likely to be tolerated, but these predictions have not been confirmed by published functional studies and their clinical significance is uncertain. In summary, the available evidence is currently insufficient to determine the role of this variant in disease. Therefore, it has been classified as a Variant of Uncertain Significance.

NM_177438.3(DICER1):c.920G>T (p.Arg307Leu)

Gene: DICER1 (dicer 1, ribonuclease III; minus strand). Cytogenetic location: 14q32.13.
Variant type: single nucleotide variant.
Coding change: c.920G>T on transcript NM_177438.3 (MANE Select); coding-DNA position 920, G replaced by T.
Protein change: p.Arg307Leu; replaces arginine 307 with leucine.
Molecular consequence: missense variant.
Genome position (GRCh38, 1-based): chr14:95,124,652, C>A on the plus strand (G>T on the coding strand, the complement: DICER1 is on the minus strand). VCF-style: chr14-95124652-C-A. GRCh37 (hg19) VCF-style: chr14-95590989-C-A.
Other names: c.920G>T, p.Arg307Leu (NM_001195573.1, NM_001271282.3, NM_001291628.2 and 1 more transcripts); short protein forms R307L.
Identifiers: ClinVar variation 861739 (VCV000861739.12), dbSNP rs149718671, ClinGen allele CA390887366.